The following is an entry in ClinVar:

NM_004336.5(BUB1):c.916A>G (p.Thr306Ala)

Gene: BUB1 (BUB1 mitotic checkpoint serine/threonine kinase; minus strand). Cytogenetic location: 2q13.
Variant type: single nucleotide variant.
Coding change: c.916A>G on transcript NM_004336.5 (MANE Select); coding-DNA position 916, A replaced by G.
Protein change: p.Thr306Ala; replaces threonine 306 with alanine.
Molecular consequence: missense variant.
Genome position (GRCh38, 1-based): chr2:110,666,304, T>C on the plus strand (A>G on the coding strand, the complement: BUB1 is on the minus strand). VCF-style: chr2-110666304-T-C. GRCh37 (hg19) VCF-style: chr2-111423881-T-C.
Other names: c.856A>G, p.Thr286Ala (NM_001278616.2); c.916A>G, p.Thr306Ala (NM_001278617.2); short protein forms T286A, T306A.
Identifiers: ClinVar variation 1766026 (VCV001766026.2), dbSNP rs1163922652, ClinGen allele CA348216391.

ClinVar aggregate classification (germline): Uncertain significance (1 of 4 stars; one submission).

Allele frequency attached by ClinVar (database versions not stated): TOPMed below 0.00001.

Submission:

Ambry Genetics
Classification: Uncertain significance. Last evaluated: 2023-09-25. Review status: criteria provided, single submitter. Criteria: Ambry Variant Classification Scheme 2023. Collection method: clinical testing. Allele origin: germline.
Comment: The p.T306A variant (also known as c.916A>G), located in coding exon 9 of the BUB1 gene, results from an A to G substitution at nucleotide position 916. The threonine at codon 306 is replaced by alanine, an amino acid with similar properties. This amino acid position is conserved. In addition, this alteration is predicted to be tolerated by in silico analysis. Since supporting evidence is limited at this time, the clinical significance of this alteration remains unclear.